The following is an entry in ClinVar:

NM_000465.4(BARD1):c.1920A>C (p.Leu640=)

Gene: BARD1 (BRCA1 associated RING domain 1; minus strand). Cytogenetic location: 2q35.
Variant type: single nucleotide variant.
Coding change: c.1920A>C on transcript NM_000465.4 (MANE Select); coding-DNA position 1920, A replaced by C.
Protein change: p.Leu640=; no amino-acid change (leucine 640 retained).
Molecular consequence: synonymous variant. On other transcripts: non-coding transcript variant (3).
Genome position (GRCh38, 1-based): chr2:214,730,492, T>G on the plus strand (A>C on the coding strand, the complement: BARD1 is on the minus strand). VCF-style: chr2-214730492-T-G. GRCh37 (hg19) VCF-style: chr2-215595216-T-G.
Other names: c.1863A>C, p.Leu621= (NM_001282543.2); c.567A>C, p.Leu189= (NM_001282545.2); c.510A>C, p.Leu170= (NM_001282548.2); c.381A>C, p.Leu127= (NM_001282549.2).
Identifiers: ClinVar variation 482792 (VCV000482792.17), dbSNP rs780901872, ClinGen allele CA431139669.

ClinVar aggregate classification (germline): Benign/Likely benign. Review status: criteria provided, multiple submitters, no conflicts (2 of 4 stars). 4 submissions from 4 submitters: Benign (1); Likely benign (3). Last evaluated 2026-01-25.

Conditions:
Familial cancer of breast. Also called: BREAST CANCER, FAMILIAL; Hereditary breast cancer; hereditary breast carcinoma. Identifiers: Orphanet 227535, MedGen C0346153, MONDO:0016419, OMIM 114480. Disease mechanism: loss of function.
Hereditary cancer-predisposing syndrome. Also called: Neoplastic Syndromes, Hereditary; Tumor predisposition; Hereditary Cancer Syndrome; Hereditary neoplastic syndrome. Identifiers: Orphanet 140162, MedGen C0027672, MeSH D009386, MONDO:0015356.

Submissions (4):

Labcorp Genetics (formerly Invitae), Labcorp
Classification: Likely benign for Familial cancer of breast. Last evaluated: 2026-01-25. Review status: criteria provided, single submitter. Criteria: Invitae Variant Classification Sherloc (09022015). Collection method: clinical testing. Allele origin: germline.

Myriad Genetics, Inc.
Classification: Benign for Familial cancer of breast. Last evaluated: 2024-07-29. Review status: criteria provided, single submitter. Criteria: Myriad Autosomal Dominant, Autosomal Recessive and X-Linked Classification Criteria (2023). Collection method: clinical testing. Allele origin: unknown.
Comment: This variant is considered benign. This variant is a silent/synonymous amino acid change and it is not expected to impact splicing.

Ambry Genetics
Classification: Likely benign for Hereditary cancer-predisposing syndrome. Last evaluated: 2016-06-17. Review status: criteria provided, single submitter. Criteria: Ambry Variant Classification Scheme 2023. Collection method: clinical testing. Allele origin: germline.

Breakthrough Genomics
Classification: Likely benign. Review status: criteria provided, single submitter. Criteria: ACMG Guidelines, 2015. Collection method: not provided. Allele origin: germline. Inheritance: Autosomal dominant inheritance. Affected: yes.